The following is an entry in ClinVar:

ClinVar aggregate classification (germline): Uncertain significance. Review status: criteria provided, multiple submitters, no conflicts (2 of 4 stars). 2 submissions from 2 submitters: Uncertain significance (2). Last evaluated 2024-11-20.

Conditions:
Inborn genetic diseases. Identifiers: MedGen C0950123, MeSH D030342.
KDM1A-related disorder. Also called: KDM1A-related condition.

Allele frequency attached by ClinVar (database versions not stated): gnomAD 0.00001; gnomAD exomes 0.00001; TOPMed 0.00002.
gnomAD v4.1: 11 of 1,613,328 alleles (0.00068%); highest among the groups gnomAD compares: African/African-American, 0.0013%; no homozygotes.

Submissions (2):

Ambry Genetics
Classification: Uncertain significance for Inborn genetic diseases. Last evaluated: 2024-11-20. Review status: criteria provided, single submitter. Criteria: Ambry Variant Classification Scheme 2023. Collection method: clinical testing. Allele origin: germline.
Comment: The p.G807S variant (also known as c.2419G>A), located in coding exon 20 of the KDM1A gene, results from a G to A substitution at nucleotide position 2419. The glycine at codon 807 is replaced by serine, an amino acid with similar properties. This amino acid position is conserved. In addition, this alteration is predicted to be tolerated by in silico analysis. Based on the available evidence, the clinical significance of this variant remains unclear.

PreventionGenetics, part of Exact Sciences
Classification: Uncertain significance for KDM1A-related condition. Last evaluated: 2022-12-15. Review status: criteria provided, single submitter. Criteria: ACMG Guidelines, 2015. Collection method: clinical testing. Allele origin: germline.
Comment: The KDM1A c.2419G>A variant is predicted to result in the amino acid substitution p.Gly807Ser. To our knowledge, this variant has not been reported in the literature. This variant is reported in 0.0065% of alleles in individuals of European (Non-Finnish) descent in gnomAD. At this time, the clinical significance of this variant is uncertain due to the absence of conclusive functional and genetic evidence.

NM_001009999.3(KDM1A):c.2419G>A (p.Gly807Ser)

Gene: KDM1A (lysine demethylase 1A; plus strand). Cytogenetic location: 1p36.12.
Variant type: single nucleotide variant.
Coding change: c.2419G>A on transcript NM_001009999.3 (MANE Select); coding-DNA position 2419, G replaced by A.
Protein change: p.Gly807Ser; replaces glycine 807 with serine.
Molecular consequence: missense variant.
Genome position (GRCh38, 1-based): chr1:23,082,340, G>A. VCF-style: chr1-23082340-G-A. GRCh37 (hg19) VCF-style: chr1-23408833-G-A.
Other names: c.2365G>A, p.Gly789Ser (NM_001363654.2); c.2425G>A, p.Gly809Ser (NM_001410762.1); c.2347G>A, p.Gly783Ser (NM_001410763.1, NM_015013.4); short protein forms G783S, G789S, G807S, G809S.
Identifiers: ClinVar variation 2628636 (VCV002628636.2), dbSNP rs1489979736, ClinGen allele CA338972478.
Genomic context (GRCh38, chr1:23,082,340, plus strand): 5'-TATGTTGCTGCAGGATCATCTGGAAATGACTATGATTTAATGGCTCAGCCAATCACTCCT[G>A]GCCCCTCGATTCCAGGTGCCCCACAGGTGAGAAGCTGGCAAACTATCTGGGCTTATTTGG-3'
Protein context (NP_001009999.1, residues 797-817): YDLMAQPITP[Gly807Ser]PSIPGAPQPI